The following is an entry in ClinVar:

ClinVar aggregate classification (germline): Uncertain significance (1 of 4 stars; one submission).

Conditions:
Alstrom syndrome (ALMS). Identifiers: Orphanet 64, MedGen C0268425, MONDO:0008763, OMIM 203800.

gnomAD v4.1: 2 of 1,614,220 alleles (0.00012%); highest among the groups gnomAD compares: Non-Finnish European, 0.00017%; no homozygotes.

Submission:

Labcorp Genetics (formerly Invitae), Labcorp
Classification: Uncertain significance for Alstrom syndrome. Last evaluated: 2021-11-25. Review status: criteria provided, single submitter. Criteria: Invitae Variant Classification Sherloc (09022015). Collection method: clinical testing. Allele origin: germline.
Comment: This sequence change replaces glutamine, which is neutral and polar, with arginine, which is basic and polar, at codon 2648 of the ALMS1 protein (p.Gln2648Arg). This variant is not present in population databases (gnomAD no frequency). This variant has not been reported in the literature in individuals affected with ALMS1-related conditions. Experimental studies and prediction algorithms are not available or were not evaluated, and the functional significance of this variant is currently unknown. In summary, the available evidence is currently insufficient to determine the role of this variant in disease. Therefore, it has been classified as a Variant of Uncertain Significance.

NM_001378454.1(ALMS1):c.7940A>G (p.Gln2647Arg)

Gene: ALMS1 (ALMS1 centrosome and basal body associated protein; plus strand). Cytogenetic location: 2p13.1.
Variant type: single nucleotide variant.
Coding change: c.7940A>G on transcript NM_001378454.1 (MANE Select); coding-DNA position 7940, A replaced by G.
Protein change: p.Gln2647Arg; replaces glutamine 2647 with arginine.
Molecular consequence: missense variant.
Genome position (GRCh38, 1-based): chr2:73,489,899, A>G. VCF-style: chr2-73489899-A-G. GRCh37 (hg19) VCF-style: chr2-73717026-A-G.
Other names: c.7943A>G, p.Gln2648Arg (NM_015120.4); short protein forms Q2647R, Q2648R.
Identifiers: ClinVar variation 1410077 (VCV001410077.3), dbSNP rs2103890068, ClinGen allele CA347266464.